The following is an entry in ClinVar:

NM_003482.4(KMT2D):c.9885G>A (p.Met3295Ile)

Gene: KMT2D (lysine methyltransferase 2D; minus strand). Cytogenetic location: 12q13.12.
Variant type: single nucleotide variant.
Coding change: c.9885G>A on transcript NM_003482.4 (MANE Select); coding-DNA position 9885, G replaced by A.
Protein change: p.Met3295Ile; replaces methionine 3295 with isoleucine.
Molecular consequence: missense variant.
Genome position (GRCh38, 1-based): chr12:49,037,471, C>T on the plus strand (G>A on the coding strand, the complement: KMT2D is on the minus strand). VCF-style: chr12-49037471-C-T. GRCh37 (hg19) VCF-style: chr12-49431254-C-T.
Other names: short protein forms M3295I.
Identifiers: ClinVar variation 1313378 (VCV001313378.2), dbSNP rs2120479594, ClinGen allele CA384734019.

ClinVar aggregate classification (germline): Uncertain significance (1 of 4 stars; one submission).

Submission:

GeneDx
Classification: Uncertain significance. Last evaluated: 2020-10-26. Review status: criteria provided, single submitter. Criteria: GeneDx Variant Classification Process June 2021. Collection method: clinical testing. Allele origin: germline. Affected: yes.
Comment: Has not been previously published as pathogenic or benign to our knowledge; In silico analysis supports that this missense variant does not alter protein structure/function; Not observed in large population cohorts (Lek et al., 2016)